The following is an entry in ClinVar:

NM_004606.5(TAF1):c.1816A>G (p.Thr606Ala)

Gene: TAF1 (TATA-box binding protein associated factor 1; plus strand). Cytogenetic location: Xq13.1.
Variant type: single nucleotide variant.
Coding change: c.1816A>G on transcript NM_004606.5 (MANE Select); coding-DNA position 1816, A replaced by G.
Protein change: p.Thr606Ala; replaces threonine 606 with alanine.
Molecular consequence: missense variant. On other transcripts: non-coding transcript variant (9).
Genome position (GRCh38, 1-based): chrX:71,383,033, A>G. VCF-style: chrX-71383033-A-G. GRCh37 (hg19) VCF-style: chrX-70602883-A-G.
Other names: c.1816A>G, p.Thr606Ala (NM_001286074.2); c.1753A>G, p.Thr585Ala (NM_138923.4); short protein forms T585A, T606A.
Identifiers: ClinVar variation 3364333 (VCV003364333.1).

ClinVar aggregate classification (germline): Uncertain significance (1 of 4 stars; one submission).

Submission:

GeneDx
Classification: Uncertain significance. Last evaluated: 2023-11-15. Review status: criteria provided, single submitter. Criteria: GeneDx Variant Classification Process June 2021. Collection method: clinical testing. Allele origin: germline. Affected: yes.
Comment: Not observed at significant frequency in large population cohorts (gnomAD); In silico analysis supports that this missense variant has a deleterious effect on protein structure/function; Has not been previously published as pathogenic or benign to our knowledge